The following is an entry in ClinVar:

ClinVar aggregate classification (germline): Uncertain significance. Review status: criteria provided, single submitter (1 of 4 stars). 2 submissions from 2 submitters: Uncertain significance (1). 1 of the submissions does not count toward it. Last evaluated 2023-05-04.

Conditions:
SEMA3F-related disorder. Also called: SEMA3F-related condition.

Allele frequency attached by ClinVar (database versions not stated): TOPMed 0.00001.
gnomAD v4.1: 16 of 1,613,730 alleles (0.00099%); highest among the groups gnomAD compares: Middle Eastern, 0.017%; no homozygotes.

Submissions (2):

Ambry Genetics
Classification: Uncertain significance. Last evaluated: 2023-05-04. Review status: criteria provided, single submitter. Criteria: Ambry Variant Classification Scheme 2023. Collection method: clinical testing. Allele origin: germline.

PreventionGenetics, part of Exact Sciences
Classification: Uncertain significance for SEMA3F-related condition. Last evaluated: 2023-10-30. Review status: no assertion criteria provided. Collection method: clinical testing. Allele origin: germline. Not counted in ClinVar's aggregate classification.
Comment: The SEMA3F c.1430G>A variant is predicted to result in the amino acid substitution p.Arg477His. To our knowledge, this variant has not been reported in the literature or in a large population database, indicating this variant is rare. At this time, the clinical significance of this variant is uncertain due to the absence of conclusive functional and genetic evidence.

NM_004186.5(SEMA3F):c.1430G>A (p.Arg477His)

Gene: SEMA3F (semaphorin 3F; plus strand). Cytogenetic location: 3p21.31.
Variant type: single nucleotide variant.
Coding change: c.1430G>A on transcript NM_004186.5 (MANE Select); coding-DNA position 1430, G replaced by A.
Protein change: p.Arg477His; replaces arginine 477 with histidine.
Molecular consequence: missense variant.
Genome position (GRCh38, 1-based): chr3:50,184,788, G>A. VCF-style: chr3-50184788-G-A. GRCh37 (hg19) VCF-style: chr3-50222221-G-A.
Other names: c.1133G>A, p.Arg378His (NM_001318798.2); c.1337G>A, p.Arg446His (NM_001318800.2); c.1430G>A (NM_004186.4); short protein forms R446H, R477H, R378H.
Identifiers: ClinVar variation 2519143 (VCV002519143.3), dbSNP rs759861492, ClinGen allele CA74595434.